The following is an entry in ClinVar:

ClinVar aggregate classification (germline): Uncertain significance. Review status: criteria provided, multiple submitters, no conflicts (2 of 4 stars). 2 submissions from 2 submitters: Uncertain significance (2). Last evaluated 2024-03-01.

Conditions:
Familial adenomatous polyposis 1 (FAP1). Also called: POLYPOSIS, ADENOMATOUS INTESTINAL; FAMILIAL ADENOMATOUS POLYPOSIS 1, ATTENUATED. Identifiers: MedGen C2713442, MONDO:0021056, OMIM 175100. Disease mechanism: loss of function.
Hereditary cancer-predisposing syndrome. Also called: Neoplastic Syndromes, Hereditary; Tumor predisposition; Hereditary Cancer Syndrome; Hereditary neoplastic syndrome. Identifiers: Orphanet 140162, MedGen C0027672, MeSH D009386, MONDO:0015356.

Submissions (2):

Ambry Genetics
Classification: Uncertain significance for Hereditary cancer-predisposing syndrome. Last evaluated: 2024-03-01. Review status: criteria provided, single submitter. Criteria: Ambry Variant Classification Scheme 2023. Collection method: clinical testing. Allele origin: germline.
Comment: The p.M720L variant (also known as c.2158A>C), located in coding exon 15 of the APC gene, results from an A to C substitution at nucleotide position 2158. The methionine at codon 720 is replaced by leucine, an amino acid with highly similar properties. This amino acid position is highly conserved in available vertebrate species. In addition, in silico predictors for this gene do not accurately predict pathogenicity. Since supporting evidence is limited at this time, the clinical significance of this alteration remains unclear.

Labcorp Genetics (formerly Invitae), Labcorp
Classification: Uncertain significance for Familial adenomatous polyposis 1. Last evaluated: 2022-08-07. Review status: criteria provided, single submitter. Criteria: Invitae Variant Classification Sherloc (09022015). Collection method: clinical testing. Allele origin: germline.
Comment: This sequence change replaces methionine, which is neutral and non-polar, with leucine, which is neutral and non-polar, at codon 720 of the APC protein (p.Met720Leu). This variant is not present in population databases (gnomAD no frequency). This variant has not been reported in the literature in individuals affected with APC-related conditions. Algorithms developed to predict the effect of missense changes on protein structure and function (SIFT, PolyPhen-2, Align-GVGD) all suggest that this variant is likely to be tolerated. In summary, the available evidence is currently insufficient to determine the role of this variant in disease. Therefore, it has been classified as a Variant of Uncertain Significance.

NM_000038.6(APC):c.2158A>C (p.Met720Leu)

Gene: APC (APC regulator of Wnt signaling pathway; plus strand). Cytogenetic location: 5q22.2.
Variant type: single nucleotide variant.
Coding change: c.2158A>C on transcript NM_000038.6 (MANE Select); coding-DNA position 2158, A replaced by C.
Protein change: p.Met720Leu; replaces methionine 720 with leucine.
Molecular consequence: missense variant.
Genome position (GRCh38, 1-based): chr5:112,837,752, A>C. VCF-style: chr5-112837752-A-C. GRCh37 (hg19) VCF-style: chr5-112173449-A-C.
Other names: c.2158A>C, p.Met720Leu (NM_001127510.3, NM_001354895.2, NM_001407450.1); c.2104A>C, p.Met702Leu (NM_001127511.3); c.2212A>C, p.Met738Leu (NM_001354896.2, NM_001407447.1, NM_001407448.1 and 1 more transcripts); c.2188A>C, p.Met730Leu (NM_001354897.2); c.2083A>C, p.Met695Leu (NM_001354898.2); c.2074A>C, p.Met692Leu (NM_001354899.2); c.2035A>C, p.Met679Leu (NM_001354900.2); c.1981A>C, p.Met661Leu (NM_001354901.2, NM_001407453.1); and 12 more; short protein forms M336L, M437L, M560L, M591L, M594L, M619L, M629L, M637L.
Identifiers: ClinVar variation 1715294 (VCV001715294.7), dbSNP rs869025248, ClinGen allele CA16026055.